The following is an entry in ClinVar:

ClinVar aggregate classification (germline): Likely benign (1 of 4 stars; one submission).

Conditions:
MAPT-Related Spectrum Disorders.

Allele frequency attached by ClinVar (database versions not stated): TOPMed 0.00003; gnomAD 0.00007 and 0.00008; gnomAD exomes 0.00007 and 0.00012; ESP Exome Variant Server 0.00008; ExAC 0.00014.
gnomAD v4.1: 113 of 1,540,214 alleles (0.0073%); highest among the groups gnomAD compares: Non-Finnish European, 0.0035%; 1 homozygote.

Submission:

Illumina Laboratory Services, Illumina
Classification: Likely benign for MAPT-Related Spectrum Disorders. Last evaluated: 2018-01-13. Review status: criteria provided, single submitter. Criteria: ICSL Variant Classification Criteria 13 December 2019. Collection method: clinical testing. Allele origin: germline.
Comment: This variant was observed in the ICSL laboratory as part of a predisposition screen in an ostensibly healthy population. It had not been previously curated by ICSL or reported in the Human Gene Mutation Database (HGMD: prior to June 1st, 2018), and was therefore a candidate for classification through an automated scoring system. Utilizing variant allele frequency, disease prevalence and penetrance estimates, and inheritance mode, an automated score was calculated to assess if this variant is too frequent to cause the disease. Based on the score and internal cut-off values, a variant classified as likely benign is not then subjected to further curation. The score for this variant resulted in a classification of likely benign for this disease.

NM_001377265.1(MAPT):c.*49G>A

Gene: MAPT (microtubule associated protein tau). Cytogenetic location: 17q21.31.
Variant type: single nucleotide variant.
Coding change: c.*49G>A on transcript NM_001377265.1 (MANE Select); 49 bases downstream of the stop codon, G replaced by A.
Molecular consequence: 3 prime UTR variant. On other transcripts: non-coding transcript variant (1), intron variant (1).
Genome position (GRCh38, 1-based): chr17:46,024,220, G>A. VCF-style: chr17-46024220-G-A. GRCh37 (hg19) VCF-style: chr17-44101586-G-A.
Other names: c.*49G>A (NM_001123066.4, NM_001123067.4, NM_001203251.2 and 7 more transcripts); c.772-897G>A (NM_001377267.1).
Identifiers: ClinVar variation 323651 (VCV000323651.5), dbSNP rs367621316, ClinGen allele CA8618302.